The following is an entry in ClinVar:

ClinVar aggregate classification (germline): Likely benign (1 of 4 stars; one submission).

Conditions:
Osteogenesis imperfecta type 7 (OI7). Also called: OSTEOGENESIS IMPERFECTA, TYPE IIB; Osteogenesis imperfecta type 2B; OI type 2B; Osteogenesis imperfecta, perinatal lethal autosomal recessive; OI type IIB; OI type 7. Identifiers: MedGen C1853162, MONDO:0012536, OMIM 610682.

Allele frequency attached by ClinVar (database versions not stated): 1000 Genomes Project 30x 0.00468; 1000 Genomes Project 0.00499; gnomAD 0.00499 and 0.00540; TOPMed 0.00581.

Submission:

Illumina Laboratory Services, Illumina
Classification: Likely benign for Osteogenesis imperfecta type 7. Last evaluated: 2018-01-13. Review status: criteria provided, single submitter. Criteria: ICSL Variant Classification Criteria 13 December 2019. Collection method: clinical testing. Allele origin: germline.
Comment: This variant was observed in the ICSL laboratory as part of a predisposition screen in an ostensibly healthy population. It had not been previously curated by ICSL or reported in the Human Gene Mutation Database (HGMD: prior to June 1st, 2018), and was therefore a candidate for classification through an automated scoring system. Utilizing variant allele frequency, disease prevalence and penetrance estimates, and inheritance mode, an automated score was calculated to assess if this variant is too frequent to cause the disease. Based on the score and internal cut-off values, a variant classified as likely benign is not then subjected to further curation. The score for this variant resulted in a classification of likely benign for this disease.

NM_006371.5(CRTAP):c.*2876C>T

Gene: CRTAP (cartilage associated protein; plus strand). Cytogenetic location: 3p22.3.
Variant type: single nucleotide variant.
Coding change: c.*2876C>T on transcript NM_006371.5 (MANE Select); 2876 bases downstream of the stop codon, C replaced by T.
Molecular consequence: 3 prime UTR variant.
Genome position (GRCh38, 1-based): chr3:33,145,324, C>T. VCF-style: chr3-33145324-C-T. GRCh37 (hg19) VCF-style: chr3-33186816-C-T.
Identifiers: ClinVar variation 901067 (VCV000901067.4), dbSNP rs147135876, ClinGen allele CA72674426.